The following is an entry in ClinVar:

NM_000055.4(BCHE):c.1584T>A (p.Tyr528Ter)

Gene: BCHE (butyrylcholinesterase; minus strand). Cytogenetic location: 3q26.1.
Variant type: single nucleotide variant.
Coding change: c.1584T>A on transcript NM_000055.4 (MANE Select); coding-DNA position 1584, T replaced by A.
Protein change: p.Tyr528Ter; replaces tyrosine 528 with a stop codon.
Molecular consequence: nonsense. On other transcripts: non-coding transcript variant (2).
Genome position (GRCh38, 1-based): chr3:165,786,245, A>T on the plus strand (T>A on the coding strand, the complement: BCHE is on the minus strand). VCF-style: chr3-165786245-A-T. GRCh37 (hg19) VCF-style: chr3-165504033-A-T.
Other names: short protein forms Y528*.
Identifiers: ClinVar variation 555346 (VCV000555346.14), dbSNP rs760485585, ClinGen allele CA2692258.
Genomic context (GRCh38, chr3:165,786,245, plus strand): 5'-TCGACATTGTTGAGCACGTAGTTTCGTCATTATTCTTGTTGACTCTGTATTCAAGGTTAG[A>T]TATTTTTGTTCAGTGCTTTTGAAGACAGGCCAGCTTGTGCTATTGTTCTGAGTCTCATTT-3'

ClinVar aggregate classification (germline): Pathogenic/Likely pathogenic. Review status: criteria provided, multiple submitters, no conflicts (2 of 4 stars). 3 submissions from 3 submitters: Pathogenic (1); Likely pathogenic (1). 1 of the submissions does not count toward it. Last evaluated 2024-02-28.

Conditions:
Deficiency of butyrylcholinesterase (BCHED). Also called: Deficiency of butyrylcholine esterase; Butyrylcholinesterase deficiency; Acholinesterasemia; BCHE, silent 1. Identifiers: Orphanet 132, MedGen C1283400, MONDO:0015270, OMIM 617936.

Allele frequency attached by ClinVar (database versions not stated): ExAC 0.00002; gnomAD 0.00002; TOPMed 0.00002; gnomAD exomes 0.00006.

Submissions (3):

Women's Health and Genetics/Laboratory Corporation of America, LabCorp
Classification: Pathogenic for Deficiency of butyrylcholinesterase. Last evaluated: 2024-02-28. Review status: criteria provided, single submitter. Criteria: LabCorp Variant Classification Summary - May 2015. Collection method: clinical testing. Allele origin: germline.
Comment: Variant summary: BCHE c.1584T>A (p.Tyr528X) results in a premature termination codon, predicted to cause absence of the protein due to nonsense mediated decay, which is a commonly known mechanism for disease. The variant allele was found at a frequency of 6.4e-05 in 250512 control chromosomes (gnomAD). This frequency is not significantly higher than estimated for a pathogenic variant in BCHE causing Deficiency Of Butyrylcholine Esterase (6.4e-05 vs 0.016), allowing no conclusion about variant significance. c.1584T>A has been reported in the literature in an individual affected with Deficiency Of Butyrylcholine Esterase who was compound heterozygous with another pathogenic variant (Primo-Parmo_1996). The following publication has been ascertained in the context of this evaluation (PMID: 8554068). ClinVar contains an entry for this variant (Variation ID: 555346). Based on the evidence outlined above, the variant was classified as pathogenic.

Revvity Omics, Revvity
Classification: Likely pathogenic for Deficiency of butyrylcholinesterase. Last evaluated: 2021-10-15. Review status: criteria provided, single submitter. Criteria: ACMG Guidelines, 2015. Collection method: clinical testing. Allele origin: germline.

Counsyl
Classification: Likely pathogenic for Deficiency of butyrylcholinesterase. Last evaluated: 2017-12-01. Review status: no assertion criteria provided. Collection method: clinical testing. Allele origin: unknown. Not counted in ClinVar's aggregate classification.

Literature cited by the submitters: PubMed 8554068 (cited by Women's Health and Genetics/Laboratory Corporation of America, LabCorp and Counsyl); PubMed 25525159 (cited by Counsyl); PubMed 15781196 (cited by Counsyl).